The following is an entry in ClinVar:

ClinVar aggregate classification (germline): Uncertain significance (1 of 4 stars; one submission).

Conditions:
Familial thoracic aortic aneurysm and aortic dissection (TAAD). Also called: Thoracic aortic aneurysms and dissections. Identifiers: Orphanet 91387, MedGen C4707243, MONDO:0019625.

Submission:

Color Diagnostics, LLC DBA Color Health
Classification: Uncertain significance for Familial thoracic aortic aneurysm and aortic dissection. Last evaluated: 2023-12-05. Review status: criteria provided, single submitter. Criteria: ACMG Guidelines, 2015. Collection method: clinical testing. Allele origin: germline.
Comment: This missense variant replaces lysine with asparagine at codon 662 of the COL3A1 protein. Computational prediction tools and conservation analyses are inconclusive regarding the impact of this variant on the protein function. Computational splicing tools suggest that this variant may not impact RNA splicing. To our knowledge, functional assays have not been performed for this variant nor has this variant been reported in individuals affected with cardiovascular disorders in the literature. This variant has not been identified in the general population by the Genome Aggregation Database (gnomAD). Available evidence is insufficient to determine the role of this variant in disease conclusively. Therefore, this variant is classified as a Variant of Uncertain Significance.

NM_000090.4(COL3A1):c.1986G>T (p.Lys662Asn)

Gene: COL3A1 (collagen type III alpha 1 chain; plus strand). Cytogenetic location: 2q32.2.
Variant type: single nucleotide variant.
Coding change: c.1986G>T on transcript NM_000090.4 (MANE Select); coding-DNA position 1986, G replaced by T.
Protein change: p.Lys662Asn; replaces lysine 662 with asparagine.
Molecular consequence: missense variant.
Genome position (GRCh38, 1-based): chr2:188,998,682, G>T. VCF-style: chr2-188998682-G-T. GRCh37 (hg19) VCF-style: chr2-189863408-G-T.
Other names: short protein forms K662N.
Identifiers: ClinVar variation 924034 (VCV000924034.5), dbSNP rs1443558947, ClinGen allele CA349854322.